The following is an entry in ClinVar:

NM_000540.3(RYR1):c.4495T>G (p.Phe1499Val)

Gene: RYR1 (ryanodine receptor 1; plus strand). Cytogenetic location: 19q13.2.
Variant type: single nucleotide variant.
Coding change: c.4495T>G on transcript NM_000540.3 (MANE Select); coding-DNA position 4495, T replaced by G.
Protein change: p.Phe1499Val; replaces phenylalanine 1499 with valine.
Molecular consequence: missense variant.
Genome position (GRCh38, 1-based): chr19:38,478,475, T>G. VCF-style: chr19-38478475-T-G. GRCh37 (hg19) VCF-style: chr19-38969115-T-G.
Other names: c.4495T>G, p.Phe1499Val (NM_001042723.2); short protein forms F1499V.
Identifiers: ClinVar variation 1030860 (VCV001030860.4), dbSNP rs1375580585, ClinGen allele CA405647136.

ClinVar aggregate classification (germline): Uncertain significance. Review status: criteria provided, multiple submitters, no conflicts (2 of 4 stars). 2 submissions from 2 submitters: Uncertain significance (2). Last evaluated 2023-11-08.

Conditions:
Malignant hyperthermia, susceptibility to, 1 (MHS1). Also called: RYR1-Related Malignant Hyperthermia Susceptibility; Malignant hyperthermia suceptibility 1; Anesthesia related hyperthermia; Malignant hyperpyrexia; Fulminating hyperpyrexia; Pharmacogenic myopathy. Identifiers: Orphanet 423, MedGen C2930980, MONDO:0007783, OMIM 145600.
RYR1-related disorder. Also called: RYR1-related condition; RYR1-related disorders. Identifiers: MedGen CN239331.

Allele frequency attached by ClinVar (database versions not stated): gnomAD 0.00001; gnomAD exomes 0.00001 and 0.00002; TOPMed 0.00001.
gnomAD v4.1: 9 of 1,613,930 alleles (0.00056%); highest among the groups gnomAD compares: Admixed American, 0.015%; no homozygotes.

Submissions (2):

Labcorp Genetics (formerly Invitae), Labcorp
Classification: Uncertain significance for RYR1-related disorder. Last evaluated: 2023-11-08. Review status: criteria provided, single submitter. Criteria: Invitae Variant Classification Sherloc (09022015). Collection method: clinical testing. Allele origin: germline.
Comment: This sequence change replaces phenylalanine, which is neutral and non-polar, with valine, which is neutral and non-polar, at codon 1499 of the RYR1 protein (p.Phe1499Val). This variant is present in population databases (no rsID available, gnomAD 0.02%). This variant has not been reported in the literature in individuals affected with RYR1-related conditions. ClinVar contains an entry for this variant (Variation ID: 1030860). Advanced modeling of protein sequence and biophysical properties (such as structural, functional, and spatial information, amino acid conservation, physicochemical variation, residue mobility, and thermodynamic stability) performed at Invitae indicates that this missense variant is not expected to disrupt RYR1 protein function with a negative predictive value of 95%. In summary, the available evidence is currently insufficient to determine the role of this variant in disease. Therefore, it has been classified as a Variant of Uncertain Significance.

Baylor Genetics
Classification: Uncertain significance for Malignant hyperthermia, susceptibility to, 1. Last evaluated: 2020-03-20. Review status: criteria provided, single submitter. Criteria: ACMG Guidelines, 2015. Collection method: clinical testing. Allele origin: unknown. Affected: yes.
Comment: This variant was determined to be of uncertain significance according to ACMG Guidelines, 2015 [PMID:25741868].